The following is an entry in ClinVar:

ClinVar aggregate classification (germline): Uncertain significance (1 of 4 stars; one submission).

Conditions:
Familial melanoma. Also called: Hereditary melanoma; Hereditary cutaneous melanoma. Identifiers: Orphanet 618, MedGen C1512419, MONDO:0018961.

Submission:

Labcorp Genetics (formerly Invitae), Labcorp
Classification: Uncertain significance for Familial melanoma. Last evaluated: 2022-09-01. Review status: criteria provided, single submitter. Criteria: Invitae Variant Classification Sherloc (09022015). Collection method: clinical testing. Allele origin: germline.
Comment: In summary, the available evidence is currently insufficient to determine the role of this variant in disease. Therefore, it has been classified as a Variant of Uncertain Significance. Algorithms developed to predict the effect of missense changes on protein structure and function are either unavailable or do not agree on the potential impact of this missense change (SIFT: "Tolerated"; PolyPhen-2: "Possibly Damaging"; Align-GVGD: "Class C0"). ClinVar contains an entry for this variant (Variation ID: 1525531). This variant has not been reported in the literature in individuals affected with CDKN2A (p16INK4a)-related conditions. This variant is not present in population databases (gnomAD no frequency). This sequence change replaces glycine, which is neutral and non-polar, with tryptophan, which is neutral and slightly polar, at codon 6 of the CDKN2A (p16INK4a) protein (p.Gly6Trp).

NM_000077.5(CDKN2A):c.16G>T (p.Gly6Trp)

Gene: CDKN2A (cyclin dependent kinase inhibitor 2A; minus strand). Cytogenetic location: 9p21.3.
Variant type: single nucleotide variant.
Coding change: c.16G>T on transcript NM_000077.5; coding-DNA position 16, G replaced by T.
Protein change: p.Gly6Trp; replaces glycine 6 with tryptophan.
Molecular consequence: missense variant (on NM_000077.6). On other transcripts: intron variant (2).
Genome position (GRCh38, 1-based): chr9:21,974,812, C>A on the plus strand (G>T on the coding strand, the complement: CDKN2A is on the minus strand). VCF-style: chr9-21974812-C-A. GRCh37 (hg19) VCF-style: chr9-21974811-C-A.
Other names: c.16G>T, p.Gly6Trp (NM_000077.6, NM_001195132.2, NM_058197.5); c.-3-3604G>T (NM_001363763.2); c.194-3604G>T (NM_058195.4); short protein forms G6W.
Identifiers: ClinVar variation 1525531 (VCV001525531.8), dbSNP rs587778190, ClinGen allele CA373086716.